The following is an entry in ClinVar:

NM_001130144.3(LTBP3):c.2514G>A (p.Gly838=)

Gene: LTBP3 (latent transforming growth factor beta binding protein 3; minus strand). Cytogenetic location: 11q13.1.
Variant type: single nucleotide variant.
Coding change: c.2514G>A on transcript NM_001130144.3 (MANE Select); coding-DNA position 2514, G replaced by A.
Protein change: p.Gly838=; no amino-acid change (glycine 838 retained).
Molecular consequence: synonymous variant.
Genome position (GRCh38, 1-based): chr11:65,543,187, C>T on the plus strand (G>A on the coding strand, the complement: LTBP3 is on the minus strand). VCF-style: chr11-65543187-C-T. GRCh37 (hg19) VCF-style: chr11-65310658-C-T.
Other names: c.2163G>A, p.Gly721= (NM_001164266.1); c.2514G>A, p.Gly838= (NM_021070.4).
Identifiers: ClinVar variation 3015923 (VCV003015923.3), dbSNP rs373120822, ClinGen allele CA475028366.
Genomic context (GRCh38, chr11:65,543,187, plus strand): 5'-CAGCCGATGCCCCTGGGGGCAAAGACATCTGTAGGAGCCATTGGTATTGATGCAGTCACC[C>T]CCAATGCAGGCTGCAGGGAAGTCACACTCATCAATGTCTGTAGGGGATGGAAGGGGTGGA-3'
Protein context (NP_001123616.1, residues 828-848): DECDFPAACI[Gly838=]GDCINTNGSY

ClinVar aggregate classification (germline): Uncertain significance (1 of 4 stars; one submission).

Conditions:
Brachyolmia-amelogenesis imperfecta syndrome. Also called: Tooth agenesis, selective, 6; Dental anomalies and short stature; PLATYSPONDYLY WITH AMELOGENESIS IMPERFECTA. Identifiers: Orphanet 2899, MedGen C1832594, MONDO:0011018, OMIM 601216. Disease mechanism: loss of function.

Allele frequency attached by ClinVar (database versions not stated): gnomAD 0.00001.

Submission:

Labcorp Genetics (formerly Invitae), Labcorp
Classification: Uncertain significance for Brachyolmia-amelogenesis imperfecta syndrome. Last evaluated: 2023-06-16. Review status: criteria provided, single submitter. Criteria: Invitae Variant Classification Sherloc (09022015). Collection method: clinical testing. Allele origin: germline.
Comment: This sequence change affects codon 838 of the LTBP3 mRNA. It is a 'silent' change, meaning that it does not change the encoded amino acid sequence of the LTBP3 protein. This variant is not present in population databases (gnomAD no frequency). This variant has not been reported in the literature in individuals affected with LTBP3-related conditions. Algorithms developed to predict the effect of sequence changes on RNA splicing suggest that this variant may create or strengthen a splice site. In summary, the available evidence is currently insufficient to determine the role of this variant in disease. Therefore, it has been classified as a Variant of Uncertain Significance.